The following is an entry in ClinVar:

ClinVar aggregate classification (germline): Uncertain significance (1 of 4 stars; one submission).

Conditions:
Joubert syndrome 21 (JBTS21). Identifiers: MedGen C3810212, MONDO:0014288, OMIM 615636.

Allele frequency attached by ClinVar (database versions not stated): TOPMed below 0.00001; gnomAD 0.00001.
gnomAD v4.1: 1 of 1,607,576 alleles (0.000062%); highest among the groups gnomAD compares: Non-Finnish European, 0.000085%; no homozygotes.

Submission:

Labcorp Genetics (formerly Invitae), Labcorp
Classification: Uncertain significance for Joubert syndrome 21. Last evaluated: 2023-08-17. Review status: criteria provided, single submitter. Criteria: Invitae Variant Classification Sherloc (09022015). Collection method: clinical testing. Allele origin: germline.
Comment: In summary, the available evidence is currently insufficient to determine the role of this variant in disease. Therefore, it has been classified as a Variant of Uncertain Significance. An algorithm developed to predict the effect of missense changes on protein structure and function (PolyPhen-2) suggests that this variant is likely to be tolerated. ClinVar contains an entry for this variant (Variation ID: 1475979). This variant has not been reported in the literature in individuals affected with CSPP1-related conditions. This variant is not present in population databases (gnomAD no frequency). This sequence change replaces asparagine, which is neutral and polar, with serine, which is neutral and polar, at codon 718 of the CSPP1 protein (p.Asn718Ser).

NM_001382391.1(CSPP1):c.2168A>G (p.Asn723Ser)

Gene: CSPP1 (centrosome and spindle pole associated protein 1; plus strand). Cytogenetic location: 8q13.2.
Variant type: single nucleotide variant.
Coding change: c.2168A>G on transcript NM_001382391.1 (MANE Select); coding-DNA position 2168, A replaced by G.
Protein change: p.Asn723Ser; replaces asparagine 723 with serine.
Molecular consequence: missense variant.
Genome position (GRCh38, 1-based): chr8:67,154,063, A>G. VCF-style: chr8-67154063-A-G. GRCh37 (hg19) VCF-style: chr8-68066298-A-G.
Other names: c.2054A>G, p.Asn685Ser (NM_001364870.1); c.2153A>G, p.Asn718Ser (NM_024790.7); c.1892A>G, p.Asn631Ser (NM_001363133.2); c.2234A>G, p.Asn745Ser (NM_001364869.1); c.1118A>G, p.Asn373Ser (NM_001291339.2); c.2087A>G, p.Asn696Ser (NM_001363131.2); c.1973A>G, p.Asn658Ser (NM_001363132.2); short protein forms N631S, N658S, N723S, N696S, N745S, N373S, N685S, N718S.
Identifiers: ClinVar variation 1475979 (VCV001475979.6), dbSNP rs1826216893, ClinGen allele CA371187758.
Genomic context (GRCh38, chr8:67,154,063, plus strand): 5'-TTGCAAAATATTTCTTTCAAGGTCATATGCAAACACAGAGCTCTCCTTTTGCTCGGGGAA[A>G]TGTATTTGGTGAGCCTCCAACTGAACTTCAGATTAAACAGCAAGAATTATACAAGAATTT-3'
Protein context (NP_001369320.1, residues 713-733): QTQSSPFARG[Asn723Ser]VFGEPPTELQ